The following is an entry in ClinVar:

ClinVar aggregate classification (germline): Uncertain significance (1 of 4 stars; one submission).

Allele frequency attached by ClinVar (database versions not stated): ESP Exome Variant Server 0.00008; TOPMed 0.00010; gnomAD exomes 0.00012; gnomAD 0.00015; 1000 Genomes Project 0.00020; ExAC 0.00022; 1000 Genomes Project 30x 0.00031.
gnomAD v4.1: 198 of 1,611,156 alleles (0.012%); highest among the groups gnomAD compares: Middle Eastern, 0.15%; 1 homozygote.

Submissions (2):

Labcorp Genetics (formerly Invitae), Labcorp
Classification: Uncertain significance. Last evaluated: 2024-05-15. Review status: criteria provided, single submitter. Criteria: Invitae Variant Classification Sherloc (09022015). Collection method: clinical testing. Allele origin: germline.
Comment: This sequence change replaces arginine, which is basic and polar, with glutamine, which is neutral and polar, at codon 469 of the FUK protein (p.Arg469Gln). This variant also falls at the last nucleotide of exon 14, which is part of the consensus splice site for this exon. This variant is present in population databases (rs200099381, gnomAD 0.03%). This variant has not been reported in the literature in individuals affected with FUK-related conditions. ClinVar contains an entry for this variant (Variation ID: 2140188). An algorithm developed to predict the effect of missense changes on protein structure and function (PolyPhen-2) suggests that this variant is likely to be tolerated. Variants that disrupt the consensus splice site are a relatively common cause of aberrant splicing (PMID: 17576681, 9536098). Algorithms developed to predict the effect of sequence changes on RNA splicing suggest that this variant may disrupt the consensus splice site. In summary, the available evidence is currently insufficient to determine the role of this variant in disease. Therefore, it has been classified as a Variant of Uncertain Significance.

Dr. Peter K. Rogan Lab, Western University
No classification provided (evidence only). Condition: Gastric cancer. Review status: no classification provided. Collection method: in vitro. Allele origin: not applicable. Functional consequence: retained intron. Not counted in ClinVar's aggregate classification.

Literature cited by the submitters: PubMed 17576681 (cited by Labcorp Genetics (formerly Invitae), Labcorp); PubMed 9536098 (cited by Labcorp Genetics (formerly Invitae), Labcorp).

NM_145059.3(FCSK):c.1406G>A (p.Arg469Gln)

Gene: FCSK (fucose kinase; plus strand). Cytogenetic location: 16q22.1.
Variant type: single nucleotide variant.
Coding change: c.1406G>A on transcript NM_145059.3 (MANE Select); coding-DNA position 1406, G replaced by A.
Protein change: p.Arg469Gln; replaces arginine 469 with glutamine.
Molecular consequence: missense variant.
Genome position (GRCh38, 1-based): chr16:70,472,605, G>A. VCF-style: chr16-70472605-G-A. GRCh37 (hg19) VCF-style: chr16-70506508-G-A.
Other names: short protein forms R469Q.
Identifiers: ClinVar variation 2140188 (VCV002140188.5), dbSNP rs200099381, ClinGen allele CA8143313.
Genomic context (GRCh38, chr16:70,472,605, plus strand): 5'-AGGGGGCAGGCACATATCTCAACGTGCCCTGGAGTGAATTCTTCAAGAGGACAGGTGTTC[G>A]GTAAGGTGGACACCCCTAGGGCCTCTGTGGGCCTGGGCAGCTGGGGTGGCTGCTGCTCTT-3'
Protein context (NP_659496.2, residues 459-479): WSEFFKRTGV[Arg469Gln]AWDLWDPETL